The following is an entry in ClinVar:

ClinVar aggregate classification (germline): Uncertain significance (1 of 4 stars; one submission).

Allele frequency attached by ClinVar (database versions not stated): TOPMed below 0.00001; gnomAD 0.00001; gnomAD exomes 0.00001 and 0.00002; ExAC 0.00002.
gnomAD v4.1: 11 of 1,613,858 alleles (0.00068%); highest among the groups gnomAD compares: Non-Finnish European, 0.00093%; no homozygotes.

Submission:

Labcorp Genetics (formerly Invitae), Labcorp
Classification: Uncertain significance. Last evaluated: 2021-08-03. Review status: criteria provided, single submitter. Criteria: Invitae Variant Classification Sherloc (09022015). Collection method: clinical testing. Allele origin: germline.
Comment: Algorithms developed to predict the effect of missense changes on protein structure and function are either unavailable or do not agree on the potential impact of this missense change (SIFT: "Tolerated"; PolyPhen-2: "Possibly Damaging"; Align-GVGD: "Class C0"). In summary, the available evidence is currently insufficient to determine the role of this variant in disease. Therefore, it has been classified as a Variant of Uncertain Significance. This variant has not been reported in the literature in individuals affected with SPEG-related conditions. This variant is present in population databases (rs746963657, ExAC 0.003%). This sequence change replaces leucine with isoleucine at codon 1133 of the SPEG protein (p.Leu1133Ile). The leucine residue is highly conserved and there is a small physicochemical difference between leucine and isoleucine.

NM_005876.5(SPEG):c.3397C>A (p.Leu1133Ile)

Gene: SPEG (striated muscle enriched protein kinase; plus strand). Cytogenetic location: 2q35.
Variant type: single nucleotide variant.
Coding change: c.3397C>A on transcript NM_005876.5 (MANE Select); coding-DNA position 3397, C replaced by A.
Protein change: p.Leu1133Ile; replaces leucine 1133 with isoleucine.
Molecular consequence: missense variant.
Genome position (GRCh38, 1-based): chr2:219,468,954, C>A. VCF-style: chr2-219468954-C-A. GRCh37 (hg19) VCF-style: chr2-220333676-C-A.
Other names: short protein forms L1133I.
Identifiers: ClinVar variation 1461532 (VCV001461532.4), dbSNP rs746963657, ClinGen allele CA2126161.